The following is an entry in ClinVar:

NM_025137.4(SPG11):c.6656A>G (p.Asn2219Ser)

Gene: SPG11 (SPG11 vesicle trafficking associated, spatacsin; minus strand). Cytogenetic location: 15q21.1.
Variant type: single nucleotide variant.
Coding change: c.6656A>G on transcript NM_025137.4 (MANE Select); coding-DNA position 6656, A replaced by G.
Protein change: p.Asn2219Ser; replaces asparagine 2219 with serine.
Molecular consequence: missense variant.
Genome position (GRCh38, 1-based): chr15:44,567,522, T>C on the plus strand (A>G on the coding strand, the complement: SPG11 is on the minus strand). VCF-style: chr15-44567522-T-C. GRCh37 (hg19) VCF-style: chr15-44859720-T-C.
Other names: c.6317A>G, p.Asn2106Ser (NM_001160227.2); c.6512A>G, p.Asn2171Ser (NM_001411132.1); short protein forms N2106S, N2219S, N2171S.
Identifiers: ClinVar variation 2055437 (VCV002055437.1), dbSNP rs771149453, ClinGen allele CA392215108.

ClinVar aggregate classification (germline): Uncertain significance (1 of 4 stars; one submission).

Conditions:
Hereditary spastic paraplegia 11. Also called: Spastic Paraplegia 11; Spastic paraplegia, mental retardation and thin corpus callosum; Nakamura Osame syndrome; Autosomal recessive hereditary spastic paraplegia, mental impairment, and thin corpus callosum; SPASTIC PARAPLEGIA, AUTOSOMAL RECESSIVE, COMPLICATED, WITH THIN CORPUS CALLOSUM; SPASTIC PARAPLEGIA, AUTOSOMAL RECESSIVE, WITH MENTAL IMPAIRMENT AND THIN CORPUS CALLOSUM. Identifiers: Orphanet 2822, MedGen C1858479, MONDO:0011445, OMIM 604360.

Allele frequency attached by ClinVar (database versions not stated): gnomAD 0.00003.
gnomAD v4.1: 19 of 1,613,906 alleles (0.0012%); highest among the groups gnomAD compares: African/African-American, 0.0027%; no homozygotes.

Submission:

Labcorp Genetics (formerly Invitae), Labcorp
Classification: Uncertain significance for Hereditary spastic paraplegia 11. Last evaluated: 2022-10-18. Review status: criteria provided, single submitter. Criteria: Invitae Variant Classification Sherloc (09022015). Collection method: clinical testing. Allele origin: germline.
Comment: This sequence change replaces asparagine, which is neutral and polar, with serine, which is neutral and polar, at codon 2219 of the SPG11 protein (p.Asn2219Ser). The frequency data for this variant in the population databases is considered unreliable, as metrics indicate poor data quality at this position in the gnomAD database. This variant has not been reported in the literature in individuals affected with SPG11-related conditions. Advanced modeling of protein sequence and biophysical properties (such as structural, functional, and spatial information, amino acid conservation, physicochemical variation, residue mobility, and thermodynamic stability) performed at Invitae indicates that this missense variant is not expected to disrupt SPG11 protein function. In summary, the available evidence is currently insufficient to determine the role of this variant in disease. Therefore, it has been classified as a Variant of Uncertain Significance.